The following is an entry in ClinVar:

ClinVar aggregate classification (germline): Likely pathogenic (1 of 4 stars; one submission).

Conditions:
Sandhoff disease. Also called: GM2-GANGLIOSIDOSIS, TYPE II; HEXOSAMINIDASES A AND B DEFICIENCY; Beta-hexosaminidase-beta-subunit deficiency; GM2 gangliosidosis, type 2; Total hexosaminidase deficiency; Sandhoff-Jatzkewitz-Pilz disease. Identifiers: Orphanet 796, MedGen C0036161, MONDO:0010006, OMIM 268800.

Submission:

3billion
Classification: Likely pathogenic for Sandhoff disease. Last evaluated: 2025-09-18. Review status: criteria provided, single submitter. Criteria: ACMG Guidelines, 2015. Collection method: clinical testing. Allele origin: germline. Affected: yes.
Comment: The variant is not observed in the gnomAD v4.1.0 dataset. Predicted Consequence/Location: Frameshift: predicted to result in a loss or disruption of normal protein function through nonsense-mediated decay (NMD) or protein truncation. Multiple pathogenic variants are reported downstream of the variant. Therefore, this variant is classified as Likely pathogenic according to the recommendation of ACMG/AMP guideline.

NM_000521.4(HEXB):c.24del (p.Arg10fs)

Gene: HEXB (hexosaminidase subunit beta; plus strand). Cytogenetic location: 5q13.3.
Variant type: Deletion.
Coding change: c.24del on transcript NM_000521.4 (MANE Select); coding-DNA position 24, one base deleted (G; older notation c.24delG).
Protein change: p.Arg10fs; shifts the reading frame from arginine 10.
Molecular consequence: frameshift variant. On other transcripts: intron variant (1).
Genome position (GRCh38, 1-based): chr5:74,685,284, G deleted. VCF-style (leftmost placement, unchanged base first): chr5-74685283-TG-T. GRCh37 (hg19) VCF-style: chr5-73981108-TG-T.
Other names: c.-376-4044del (NM_001292004.2); short protein forms R10fs.
Identifiers: ClinVar variation 4854014 (VCV004854014.1).